The following is an entry in ClinVar:

ClinVar aggregate classification (germline): Likely pathogenic (1 of 4 stars; one submission).

Conditions:
Axenfeld-Rieger syndrome type 3 (RIEG3). Also called: AXENFELD-RIEGER ANOMALY WITH CARDIAC DEFECTS AND/OR SENSORINEURAL HEARING LOSS. Identifiers: Orphanet 782, MedGen C2678503, MONDO:0011233, OMIM 602482.

Submission:

Neuberg Centre For Genomic Medicine, NCGM
Classification: Likely pathogenic for Axenfeld-Rieger syndrome type 3. Review status: criteria provided, single submitter. Criteria: ACMG Guidelines, 2015. Collection method: clinical testing. Allele origin: germline. Inheritance: Autosomal dominant inheritance. Affected: yes.
Comment: The observed frameshift variant c.587dup(p.Pro197AlafsTer109) in the FOXC1 gene has not been reported previously as a pathogenic variant nor as a benign variant, to our knowledge. This variant is absent in the gnomAD Exomes. This variant causes a frameshift starting with codon Proline 197, changes this amino acid to Alanine residue, and creates a premature Stop codon at position 109 of the new reading frame, denoted p.Pro197AlafsTer109. Heterozygous pathogenic variants are reported beyond this position in the ClinVar database. This variant is predicted to cause loss of normal protein function through protein truncation. Loss of function variants have been previously reported to be disease causing (Skalicka P, et al., 2022). For these reasons, this variant has been classified as Likely Pathogenic.

NM_001453.3(FOXC1):c.587dup (p.Pro197fs)

Gene: FOXC1 (forkhead box C1; plus strand). Cytogenetic location: 6p25.3.
Variant type: Duplication.
Coding change: c.587dup on transcript NM_001453.3 (MANE Select); coding-DNA position 587, one base duplicated (C; older notation c.587dupC).
Protein change: p.Pro197fs; shifts the reading frame from proline 197.
Molecular consequence: frameshift variant.
Genome position (GRCh38, 1-based): chr6:1,611,032, C duplicated; the last of 5 consecutive C bases (chr6:1,611,028-1,611,032); duplicating any one gives the same sequence. VCF-style (leftmost placement, unchanged base first): chr6-1611027-G-GC. GRCh37 (hg19) VCF-style: chr6-1611262-G-GC.
Other names: short protein forms P197fs.
Identifiers: ClinVar variation 3731385 (VCV003731385.1).